The following is an entry in ClinVar:

NM_178857.6(RP1L1):c.4914C>T (p.Ala1638=)

Gene: RP1L1 (RP1 like 1). Cytogenetic location: 8p23.1.
Variant type: single nucleotide variant.
Coding change: c.4914C>T on transcript NM_178857.6 (MANE Select); coding-DNA position 4914, C replaced by T.
Protein change: p.Ala1638=; no amino-acid change (alanine 1638 retained).
Molecular consequence: synonymous variant.
Genome position (GRCh38, 1-based): chr8:10,609,184, G>A on the plus strand (C>T on the coding strand, the complement: RP1L1 is on the minus strand). VCF-style: chr8-10609184-G-A. GRCh37 (hg19) VCF-style: chr8-10466694-G-A.
Other names: c.4914C>T (NM_178857.5).
Identifiers: ClinVar variation 4899012 (VCV004899012.2).

ClinVar aggregate classification (germline): Likely benign. Review status: criteria provided, multiple submitters, no conflicts (2 of 4 stars). 2 submissions from 2 submitters: Likely benign (2). Last evaluated 2024-11-10.

Conditions:
RP1L1-related disorder. Also called: RP1L1-related condition.

gnomAD v4.1: 19 of 1,611,732 alleles (0.0012%); highest among the groups gnomAD compares: East Asian, 0.0089%; no homozygotes.

Submissions (2):

PreventionGenetics, part of Exact Sciences
Classification: Likely benign for RP1L1-related condition. Last evaluated: 2024-11-10. Review status: criteria provided, single submitter. Criteria: ACMG Guidelines, 2015. Collection method: clinical testing. Allele origin: germline.
Comment: This variant is classified as likely benign based on ACMG/AMP sequence variant interpretation guidelines (Richards et al. 2015 PMID: 25741868, with internal and published modifications).

Blueprint Genetics
Classification: Likely benign. Last evaluated: 2024-08-09. Review status: criteria provided, single submitter. Criteria: ACMG Guidelines, 2015. Collection method: clinical testing. Allele origin: germline.